The following is an entry in ClinVar:

NM_198428.3(BBS9):c.1790-7C>T

Gene: BBS9 (Bardet-Biedl syndrome 9; plus strand). Cytogenetic location: 7p14.3.
Variant type: single nucleotide variant.
Coding change: c.1790-7C>T on transcript NM_198428.3 (MANE Select); 7 bases into the intron before coding-DNA position 1790, C replaced by T.
Molecular consequence: intron variant.
Genome position (GRCh38, 1-based): chr7:33,383,659, C>T. VCF-style: chr7-33383659-C-T. GRCh37 (hg19) VCF-style: chr7-33423271-C-T.
Other names: c.1790-7C>T (NM_198428.2, NM_001348036.1, NM_001362679.1 and 2 more transcripts); c.1517-7C>T (NM_001348038.3); c.1412-7C>T (NM_001348039.3); c.1775-7C>T (NM_001033605.2); c.1685-7C>T (NM_001033604.2); c.1670-7C>T (NM_014451.4, NM_001348040.3); c.1424-7C>T (NM_001348037.3, NM_001348045.3, NM_001348046.3); c.1655-7C>T (NM_001348042.3); and 1 more.
Identifiers: ClinVar variation 1617205 (VCV001617205.10), dbSNP rs746901030, ClinGen allele CA4214514.

ClinVar aggregate classification (germline): Likely benign. Review status: criteria provided, multiple submitters, no conflicts (2 of 4 stars). 3 submissions from 3 submitters: Likely benign (2). 1 of the submissions does not count toward it. Last evaluated 2023-08-18.

Conditions:
Bardet-Biedl syndrome (BBS). Identifiers: Orphanet 110, MedGen C0752166, MONDO:0015229.
Bardet-Biedl syndrome 9 (BBS9). Identifiers: Orphanet 110, MedGen C1859567, MONDO:0014437, OMIM 615986.
BBS9-related disorder. Also called: BBS9-related condition.

Allele frequency attached by ClinVar (database versions not stated): gnomAD exomes 0.00001; ExAC 0.00002.
gnomAD v4.1: 8 of 1,597,618 alleles (0.0005%); highest among the groups gnomAD compares: Non-Finnish European, 0.00068%; no homozygotes.

Submissions (3):

Labcorp Genetics (formerly Invitae), Labcorp
Classification: Likely benign for Bardet-Biedl syndrome. Last evaluated: 2023-08-18. Review status: criteria provided, single submitter. Criteria: Invitae Variant Classification Sherloc (09022015). Collection method: clinical testing. Allele origin: germline.

Fulgent Genetics
Classification: Likely benign for Bardet-Biedl syndrome 9. Last evaluated: 2022-02-17. Review status: criteria provided, single submitter. Criteria: ACMG Guidelines, 2015. Collection method: clinical testing. Allele origin: unknown.

PreventionGenetics, part of Exact Sciences
Classification: Likely benign for BBS9-related condition. Last evaluated: 2020-06-12. Review status: no assertion criteria provided. Collection method: clinical testing. Allele origin: germline. Not counted in ClinVar's aggregate classification.
Comment: This variant is classified as likely benign based on ACMG/AMP sequence variant interpretation guidelines (Richards et al. 2015 PMID: 25741868, with internal and published modifications).